The following is an entry in ClinVar:

NM_022765.4(MICAL1):c.452C>T (p.Thr151Ile)

Gene: MICAL1 (microtubule associated monooxygenase, calponin and LIM domain containing 1; minus strand). Cytogenetic location: 6q21.
Variant type: single nucleotide variant.
Coding change: c.452C>T on transcript NM_022765.4 (MANE Select); coding-DNA position 452, C replaced by T.
Protein change: p.Thr151Ile; replaces threonine 151 with isoleucine.
Molecular consequence: missense variant.
Genome position (GRCh38, 1-based): chr6:109,453,652, G>A on the plus strand (C>T on the coding strand, the complement: MICAL1 is on the minus strand). VCF-style: chr6-109453652-G-A. GRCh37 (hg19) VCF-style: chr6-109774855-G-A.
Other names: c.452C>T, p.Thr151Ile (NM_001159291.2); c.509C>T, p.Thr170Ile (NM_001286613.2); short protein forms T151I, T170I.
Identifiers: ClinVar variation 3004975 (VCV003004975.3), dbSNP rs887334917, ClinGen allele CA145123004.
Genomic context (GRCh38, chr6:109,453,652, plus strand): 5'-TAGGCCCAAGCTCACCCGCCCCTCCAGGCCACCACGTGGTGCTCACTGATGTGGTCCAGG[G>A]TGCCGGTGCAGAAGCGCCCGTAGAACTTCTTAGCACCGAGTGCCCGCAGGTCGTGGATGG-3'
Protein context (NP_073602.3, residues 141-161): KKFYGRFCTG[Thr151Ile]LDHISIRQLQ

ClinVar aggregate classification (germline): Uncertain significance (1 of 4 stars; one submission).

Allele frequency attached by ClinVar (database versions not stated): gnomAD exomes below 0.00001; gnomAD 0.00001; TOPMed 0.00001.
gnomAD v4.1: 3 of 1,605,370 alleles (0.00019%); highest among the groups gnomAD compares: African/African-American, 0.0027%; no homozygotes.

Submission:

Labcorp Genetics (formerly Invitae), Labcorp
Classification: Uncertain significance. Last evaluated: 2023-03-27. Review status: criteria provided, single submitter. Criteria: Invitae Variant Classification Sherloc (09022015). Collection method: clinical testing. Allele origin: germline.
Comment: In summary, the available evidence is currently insufficient to determine the role of this variant in disease. Therefore, it has been classified as a Variant of Uncertain Significance. An algorithm developed to predict the effect of missense changes on protein structure and function (PolyPhen-2) suggests that this variant is likely to be disruptive. This variant has not been reported in the literature in individuals affected with MICAL1-related conditions. This variant is not present in population databases (gnomAD no frequency). This sequence change replaces threonine, which is neutral and polar, with isoleucine, which is neutral and non-polar, at codon 170 of the MICAL1 protein (p.Thr170Ile).